The following is an entry in ClinVar:

ClinVar aggregate classification (germline): Uncertain significance. Review status: criteria provided, multiple submitters, no conflicts (2 of 4 stars). 3 submissions from 3 submitters: Uncertain significance (3). Last evaluated 2022-03-11.

Conditions:
Developmental and epileptic encephalopathy 94 (DEE94). Also called: Epileptic encephalopathy, childhood-onset; CHD2-Related Neurodevelopmental Disorders. Identifiers: Orphanet 1942, Orphanet 2382, MedGen C3809278, MONDO:0014150, OMIM 615369.

Allele frequency attached by ClinVar (database versions not stated): gnomAD exomes below 0.00001.
gnomAD v4.1: 4 of 1,613,332 alleles (0.00025%); highest among the groups gnomAD compares: Non-Finnish European, 0.00034%; no homozygotes.

Submissions (3):

GeneDx
Classification: Uncertain significance. Last evaluated: 2022-03-11. Review status: criteria provided, single submitter. Criteria: GeneDx Variant Classification Process June 2021. Collection method: clinical testing. Allele origin: germline. Affected: yes.
Comment: Not observed at significant frequency in large population cohorts (gnomAD); In silico analysis supports that this missense variant does not alter protein structure/function; Has not been previously published as pathogenic or benign to our knowledge

Labcorp Genetics (formerly Invitae), Labcorp
Classification: Uncertain significance for Developmental and epileptic encephalopathy 94. Last evaluated: 2022-01-15. Review status: criteria provided, single submitter. Criteria: Invitae Variant Classification Sherloc (09022015). Collection method: clinical testing. Allele origin: germline.
Comment: This sequence change replaces arginine, which is basic and polar, with serine, which is neutral and polar, at codon 1644 of the CHD2 protein (p.Arg1644Ser). Advanced modeling of protein sequence and biophysical properties (such as structural, functional, and spatial information, amino acid conservation, physicochemical variation, residue mobility, and thermodynamic stability) performed at Invitae indicates that this missense variant is not expected to disrupt CHD2 protein function. This variant is not present in population databases (gnomAD no frequency). This variant has not been reported in the literature in individuals affected with CHD2-related conditions. ClinVar contains an entry for this variant (Variation ID: 623877). Algorithms developed to predict the effect of sequence changes on RNA splicing suggest that this variant may create or strengthen a splice site. In summary, the available evidence is currently insufficient to determine the role of this variant in disease. Therefore, it has been classified as a Variant of Uncertain Significance.

CeGaT Center for Human Genetics Tuebingen
Classification: Uncertain significance. Last evaluated: 2018-08-01. Review status: criteria provided, single submitter. Criteria: CeGaT Center For Human Genetics Tuebingen Variant Classification Criteria Version 2. Collection method: clinical testing. Allele origin: germline. Affected: yes. Observed: 1 variant allele.

NM_001271.4(CHD2):c.4932A>T (p.Arg1644Ser)

Gene: CHD2 (chromodomain helicase DNA binding protein 2; plus strand). Cytogenetic location: 15q26.1.
Variant type: single nucleotide variant.
Coding change: c.4932A>T on transcript NM_001271.4 (MANE Select); coding-DNA position 4932, A replaced by T.
Protein change: p.Arg1644Ser; replaces arginine 1644 with serine.
Molecular consequence: missense variant.
Genome position (GRCh38, 1-based): chr15:93,020,037, A>T. VCF-style: chr15-93020037-A-T. GRCh37 (hg19) VCF-style: chr15-93563267-A-T.
Other names: short protein forms R1644S.
Identifiers: ClinVar variation 623877 (VCV000623877.49), dbSNP rs1567166830, ClinGen allele CA393907494.